The following is an entry in ClinVar:

NM_000352.6(ABCC8):c.1773C>G (p.Phe591Leu)

Gene: ABCC8 (ATP binding cassette subfamily C member 8; minus strand). Cytogenetic location: 11p15.1.
Variant type: single nucleotide variant.
Coding change: c.1773C>G on transcript NM_000352.6 (MANE Select); coding-DNA position 1773, C replaced by G.
Protein change: p.Phe591Leu; replaces phenylalanine 591 with leucine.
Molecular consequence: missense variant. On other transcripts: non-coding transcript variant (1).
Genome position (GRCh38, 1-based): chr11:17,430,858, G>C on the plus strand (C>G on the coding strand, the complement: ABCC8 is on the minus strand). VCF-style: chr11-17430858-G-C. GRCh37 (hg19) VCF-style: chr11-17452405-G-C.
Other names: c.1773C>G, p.Phe591Leu (NM_001287174.3, NM_001351295.2); c.1770C>G, p.Phe590Leu (NM_001351296.2, NM_001351297.2); short protein forms F590L, F591L.
Identifiers: ClinVar variation 1338359 (VCV001338359.6), dbSNP rs72559726, ClinGen allele CA218442693.

ClinVar aggregate classification (germline): Conflicting classifications of pathogenicity. Review status: criteria provided, conflicting classifications (1 of 4 stars). 2 submissions from 2 submitters: Pathogenic (1); Uncertain significance (1). Last evaluated 2024-09-11.

Submissions (2):

Labcorp Genetics (formerly Invitae), Labcorp
Classification: Uncertain significance. Last evaluated: 2024-09-11. Review status: criteria provided, single submitter. Criteria: Invitae Variant Classification Sherloc (09022015). Collection method: clinical testing. Allele origin: germline.
Comment: This sequence change replaces phenylalanine, which is neutral and non-polar, with leucine, which is neutral and non-polar, at codon 591 of the ABCC8 protein (p.Phe591Leu). This variant is not present in population databases (gnomAD no frequency). This missense change has been observed in individual(s) with autosomal dominant hyperinsulinism (PMID: 9618169, 9648840). ClinVar contains an entry for this variant (Variation ID: 1338359). Invitae Evidence Modeling of protein sequence and biophysical properties (such as structural, functional, and spatial information, amino acid conservation, physicochemical variation, residue mobility, and thermodynamic stability) has been performed for this missense variant. However, the output from this modeling did not meet the statistical confidence thresholds required to predict the impact of this variant on ABCC8 protein function. Experimental studies have shown that this missense change affects ABCC8 function (PMID: 9648840). In summary, the available evidence is currently insufficient to determine the role of this variant in disease. Therefore, it has been classified as a Variant of Uncertain Significance.

Genetic Services Laboratory, University of Chicago
Classification: Pathogenic. Last evaluated: 2018-01-02. Review status: criteria provided, single submitter. Criteria: ACMG Guidelines, 2015. Collection method: clinical testing. Allele origin: germline. Affected: yes.

Literature cited by the submitters: PubMed 9618169 (cited by Labcorp Genetics (formerly Invitae), Labcorp); PubMed 9648840 (cited by Labcorp Genetics (formerly Invitae), Labcorp).